The following is an entry in ClinVar:

NM_001374736.1(DST):c.20107C>T (p.His6703Tyr)

Gene: DST (dystonin; minus strand). Cytogenetic location: 6p12.1.
Variant type: single nucleotide variant.
Coding change: c.20107C>T on transcript NM_001374736.1 (MANE Select); coding-DNA position 20107, C replaced by T.
Protein change: p.His6703Tyr; replaces histidine 6703 with tyrosine.
Molecular consequence: missense variant.
Genome position (GRCh38, 1-based): chr6:56,497,495, G>A on the plus strand (C>T on the coding strand, the complement: DST is on the minus strand). VCF-style: chr6-56497495-G-A. GRCh37 (hg19) VCF-style: chr6-56362293-G-A.
Other names: c.13750C>T, p.His4584Tyr (NM_001144769.5); c.13336C>T, p.His4446Tyr (NM_001144770.2); c.20107C>T, p.His6703Tyr (NM_001374722.1); c.19147C>T, p.His6383Tyr (NM_001374729.1); c.12889C>T, p.His4297Tyr (NM_001374730.1); c.20134C>T, p.His6712Tyr (NM_001374734.1); c.13216C>T, p.His4406Tyr (NM_001386100.1, NM_183380.4); c.12238C>T, p.His4080Tyr (NM_015548.5); short protein forms H4584Y, H4446Y, H6383Y, H4080Y, H6712Y, H4297Y, H4406Y, H6703Y.
Identifiers: ClinVar variation 1039648 (VCV001039648.5), dbSNP rs1464061736, ClinGen allele CA364518369.
Genomic context (GRCh38, chr6:56,497,495, plus strand): 5'-ATGCCAACAGATGACGCTCCGTGTCAGTCAGCCACTGCTGCAAATCCTCAATTTCGCCAT[G>A]GAACCCTTTGGCCTGAAGTAATAGGCAGTTTTAAGTTGGGGCCATAAACACTGTCAGTTT-3'
Protein context (NP_001361665.1, residues 6693-6713): DGALRQAKGF[His6703Tyr]GEIEDLQQWL

ClinVar aggregate classification (germline): Uncertain significance (1 of 4 stars; one submission).

Conditions:
Hereditary sensory and autonomic neuropathy type 6. Also called: Neuropathy, hereditary sensory and autonomic, type VI; HSAN VI. Identifiers: Orphanet 314381, MedGen C3539003, MONDO:0013839, OMIM 614653.
Epidermolysis bullosa simplex 3, localized or generalized intermediate, with BP230 deficiency (EBS3). Also called: Epidermolysis bullosa simplex, autosomal recessive 2; Epidermolysis bullosa simplex due to BP230 deficiency. Identifiers: Orphanet 412181, MedGen C3809470, MONDO:0014180, OMIM 615425.

Allele frequency attached by ClinVar (database versions not stated): gnomAD 0.00001.
gnomAD v4.1: 1 of 1,612,692 alleles (0.000062%); highest among the groups gnomAD compares: African/African-American, 0.0013%; no homozygotes.

Submission:

Labcorp Genetics (formerly Invitae), Labcorp
Classification: Uncertain significance for Epidermolysis bullosa simplex 3, localized or generalized intermediate, with BP230 deficiency; Hereditary sensory and autonomic neuropathy type 6. Last evaluated: 2020-10-27. Review status: criteria provided, single submitter. Criteria: Invitae Variant Classification Sherloc (09022015). Collection method: clinical testing. Allele origin: germline.
Comment: In summary, the available evidence is currently insufficient to determine the role of this variant in disease. Therefore, it has been classified as a Variant of Uncertain Significance. Experimental studies and prediction algorithms are not available or were not evaluated, and the functional significance of this variant is currently unknown. This variant has not been reported in the literature in individuals with DST-related conditions. This variant is not present in population databases (ExAC no frequency). This sequence change replaces histidine with tyrosine at codon 4080 of the DST protein (p.His4080Tyr). The DST gene has multiple clinically relevant transcripts. This variant occurs in alternate transcript NM_015548.4, and corresponds to NM_001723.5:c.*118022C>T in the primary transcript.